The following is an entry in ClinVar:

NM_002858.4(ABCD3):c.707A>G (p.Tyr236Cys)

Gene: ABCD3 (ATP binding cassette subfamily D member 3; plus strand). Cytogenetic location: 1p21.3.
Variant type: single nucleotide variant.
Coding change: c.707A>G on transcript NM_002858.4 (MANE Select); coding-DNA position 707, A replaced by G.
Protein change: p.Tyr236Cys; replaces tyrosine 236 with cysteine.
Molecular consequence: missense variant.
Genome position (GRCh38, 1-based): chr1:94,480,486, A>G. VCF-style: chr1-94480486-A-G. GRCh37 (hg19) VCF-style: chr1-94946042-A-G.
Other names: short protein forms Y236C.
Identifiers: ClinVar variation 3619300 (VCV003619300.2).

ClinVar aggregate classification (germline): Uncertain significance (1 of 4 stars; one submission).

gnomAD v4.1: 3 of 1,613,766 alleles (0.00019%); highest among the groups gnomAD compares: Admixed American, 0.0017%; no homozygotes.

Submission:

Labcorp Genetics (formerly Invitae), Labcorp
Classification: Uncertain significance. Last evaluated: 2024-02-22. Review status: criteria provided, single submitter. Criteria: Invitae Variant Classification Sherloc (09022015). Collection method: clinical testing. Allele origin: germline.
Comment: This sequence change replaces tyrosine, which is neutral and polar, with cysteine, which is neutral and slightly polar, at codon 236 of the ABCD3 protein (p.Tyr236Cys). This variant is not present in population databases (gnomAD no frequency). This variant has not been reported in the literature in individuals affected with ABCD3-related conditions. An algorithm developed to predict the effect of missense changes on protein structure and function (PolyPhen-2) suggests that this variant is likely to be disruptive. In summary, the available evidence is currently insufficient to determine the role of this variant in disease. Therefore, it has been classified as a Variant of Uncertain Significance.